The following is an entry in ClinVar:

ClinVar aggregate classification (germline): Pathogenic (1 of 4 stars; one submission).

Conditions:
Ellis-van Creveld syndrome (EVC). Also called: MESOECTODERMAL DYSPLASIA; Chondroectodermal dysplasia. Identifiers: Orphanet 289, MedGen C0013903, MONDO:0009162, OMIM 225500.

Submission:

Myriad Genetics, Inc.
Classification: Pathogenic for Ellis-van Creveld syndrome. Last evaluated: 2023-08-18. Review status: criteria provided, single submitter. Criteria: Myriad Autosomal Dominant, Autosomal Recessive and X-Linked Classification Criteria (2023). Collection method: clinical testing. Allele origin: unknown.
Comment: NM_153717.2(EVC):c.744_745delTCinsCTA(P249Yfs*2) is expected to be pathogenic in the context of EVC-related Ellis-van Creveld syndrome. This variant is predicted to lead to an abnormal or absent protein product due to the creation of a premature termination codon in EVC, a gene where loss-of-function variants are known to be pathogenic. Please note: this variant was assessed in the context of healthy population screening.

NM_153717.3(EVC):c.744_745delinsCTA (p.Pro249fs)

Gene: EVC (EvC ciliary complex subunit 1; plus strand). Cytogenetic location: 4p16.2.
Variant type: Indel.
Coding change: c.744_745delinsCTA on transcript NM_153717.3 (MANE Select); coding-DNA positions 744 to 745, TC replaced by CTA.
Protein change: p.Pro249fs; shifts the reading frame from proline 249.
Molecular consequence: frameshift variant.
Genome position (GRCh38, 1-based): chr4:5,741,757-5,741,758, TC replaced by CTA. VCF-style: chr4-5741757-TC-CTA. GRCh37 (hg19) VCF-style: chr4-5743484-TC-CTA.
Other names: c.744_745delinsCTA, p.Pro249fs (NM_001306090.2, NM_001306092.2); short protein forms P249fs.
Identifiers: ClinVar variation 5011387 (VCV005011387.1).